The following is an entry in ClinVar:

ClinVar aggregate classification (germline): Likely benign (0 of 4 stars; one submission).

Conditions:
KIF17-related disorder. Also called: KIF17-related condition.

Allele frequency attached by ClinVar (database versions not stated): 1000 Genomes Project 30x 0.00062; 1000 Genomes Project 0.00080; gnomAD 0.00115; TOPMed 0.00116; ExAC 0.00135; gnomAD exomes 0.00152; ESP Exome Variant Server 0.00193.
gnomAD v4.1: 2,386 of 1,611,582 alleles (0.15%); highest among the groups gnomAD compares: Admixed American, 0.18%; 4 homozygotes.

Submission:

PreventionGenetics, part of Exact Sciences
Classification: Likely benign for KIF17-related condition. Last evaluated: 2023-01-19. Review status: no assertion criteria provided. Collection method: clinical testing. Allele origin: germline.
Comment: This variant is classified as likely benign based on ACMG/AMP sequence variant interpretation guidelines (Richards et al. 2015 PMID: 25741868, with internal and published modifications).

NM_001122819.3(KIF17):c.148A>G (p.Lys50Glu)

Gene: KIF17 (kinesin family member 17; minus strand). Cytogenetic location: 1p36.12.
Variant type: single nucleotide variant.
Coding change: c.148A>G on transcript NM_001122819.3 (MANE Select); coding-DNA position 148, A replaced by G.
Protein change: p.Lys50Glu; replaces lysine 50 with glutamic acid.
Molecular consequence: missense variant. On other transcripts: 5 prime UTR variant (1).
Genome position (GRCh38, 1-based): chr1:20,717,559, T>C on the plus strand (A>G on the coding strand, the complement: KIF17 is on the minus strand). VCF-style: chr1-20717559-T-C. GRCh37 (hg19) VCF-style: chr1-21044052-T-C.
Other names: c.-280A>G (NM_001287212.2); c.148A>G, p.Lys50Glu (NM_020816.4); short protein forms K50E.
Identifiers: ClinVar variation 3033505 (VCV003033505.2), dbSNP rs149468609, ClinGen allele CA662463.
Genomic context (GRCh38, chr1:20,717,559, plus strand): 5'-CGTTGTAGATCTGCTCGGTGACGTGGTCCACGTGGTAGGCGCCGTCGAAGGTGAACTGCT[T>C]GGGCGGCTCGTCGGCGGCGCCCGGGTTCTGGATGCAGCACTGGGCGCGCGCGCAGTCCAC-3'
Protein context (NP_001116291.1, residues 40-60): QNPGAADEPP[Lys50Glu]QFTFDGAYHV